The following is an entry in ClinVar:

NM_003628.6(PKP4):c.976G>A (p.Ala326Thr)

Gene: PKP4 (plakophilin 4; plus strand). Cytogenetic location: 2q24.1.
Variant type: single nucleotide variant.
Coding change: c.976G>A on transcript NM_003628.6 (MANE Select); coding-DNA position 976, G replaced by A.
Protein change: p.Ala326Thr; replaces alanine 326 with threonine.
Molecular consequence: missense variant. On other transcripts: 5 prime UTR variant (1).
Genome position (GRCh38, 1-based): chr2:158,625,250, G>A. VCF-style: chr2-158625250-G-A. GRCh37 (hg19) VCF-style: chr2-159481762-G-A.
Other names: c.976G>A, p.Ala326Thr (NM_001005476.4, NM_001304969.3, NM_001304971.2 and 6 more transcripts); c.-51G>A (NM_001304970.3); c.970G>A, p.Ala324Thr (NM_001377222.1, NM_001377223.1, NM_001377224.1); short protein forms A326T, A324T.
Identifiers: ClinVar variation 1768139 (VCV001768139.3), dbSNP rs774852097, ClinGen allele CA1920568.

ClinVar aggregate classification (germline): Uncertain significance (1 of 4 stars; one submission).

Allele frequency attached by ClinVar (database versions not stated): TOPMed below 0.00001; ExAC 0.00001; gnomAD 0.00001.
gnomAD v4.1: 2 of 1,614,056 alleles (0.00012%); highest among the groups gnomAD compares: African/African-American, 0.0027%; no homozygotes.

Submission:

Ambry Genetics
Classification: Uncertain significance. Last evaluated: 2025-04-02. Review status: criteria provided, single submitter. Criteria: Ambry Variant Classification Scheme 2023. Collection method: clinical testing. Allele origin: germline.
Comment: The p.A326T variant (also known as c.976G>A), located in coding exon 6 of the PKP4 gene, results from a G to A substitution at nucleotide position 976. The alanine at codon 326 is replaced by threonine, an amino acid with similar properties. This amino acid position is conserved. In addition, this alteration is predicted to be tolerated by in silico analysis. Since supporting evidence is limited at this time, the clinical significance of this alteration remains unclear.